The following is an entry in ClinVar:

NM_004168.4(SDHA):c.1934T>C (p.Ile645Thr)

Gene: SDHA (succinate dehydrogenase complex flavoprotein subunit A; plus strand). Cytogenetic location: 5p15.33.
Variant type: single nucleotide variant.
Coding change: c.1934T>C on transcript NM_004168.4 (MANE Select); coding-DNA position 1934, T replaced by C.
Protein change: p.Ile645Thr; replaces isoleucine 645 with threonine.
Molecular consequence: missense variant.
Genome position (GRCh38, 1-based): chr5:256,359, T>C. VCF-style: chr5-256359-T-C. GRCh37 (hg19) VCF-style: chr5-256474-T-C.
Other names: c.1790T>C, p.Ile597Thr (NM_001294332.2); c.1691T>C, p.Ile564Thr (NM_001330758.2); short protein forms I645T, I597T, I564T.
Identifiers: ClinVar variation 565609 (VCV000565609.16), dbSNP rs1282623859, ClinGen allele CA359002753.

ClinVar aggregate classification (germline): Uncertain significance. Review status: criteria provided, multiple submitters, no conflicts (2 of 4 stars). 4 submissions from 4 submitters: Uncertain significance (4). Last evaluated 2025-11-03.

Conditions:
Mitochondrial complex II deficiency, nuclear type 1. Also called: SUCCINATE CoQ REDUCTASE DEFICIENCY. Identifiers: Orphanet 3208, MedGen C5700310, MONDO:0100294, OMIM 252011.
Pheochromocytoma/paraganglioma syndrome 5. Also called: Paragangliomas 5; SDHA-Related Hereditary Paraganglioma-Pheochromocytoma Syndrome. Identifiers: Orphanet 29072, MedGen C3279992, MONDO:0013602, OMIM 614165.
Hereditary cancer-predisposing syndrome. Also called: Neoplastic Syndromes, Hereditary; Tumor predisposition; Hereditary neoplastic syndrome; Hereditary Cancer Syndrome. Identifiers: Orphanet 140162, MedGen C0027672, MeSH D009386, MONDO:0015356.
Dilated cardiomyopathy 1GG (CMD1GG). Identifiers: Orphanet 154, MedGen C3150898, MONDO:0013339, OMIM 613642.

Allele frequency attached by ClinVar (database versions not stated): gnomAD exomes 0.00001; gnomAD 0.00004 and 0.00005; TOPMed 0.00005.
gnomAD v4.1: 16 of 1,613,794 alleles (0.00099%); highest among the groups gnomAD compares: African/African-American, 0.019%; no homozygotes.

Submissions (4):

Labcorp Genetics (formerly Invitae), Labcorp
Classification: Uncertain significance for Pheochromocytoma/paraganglioma syndrome 5; Mitochondrial complex II deficiency, nuclear type 1. Last evaluated: 2025-11-03. Review status: criteria provided, single submitter. Criteria: Invitae Variant Classification Sherloc (09022015). Collection method: clinical testing. Allele origin: germline.
Comment: This sequence change replaces isoleucine, which is neutral and non-polar, with threonine, which is neutral and polar, at codon 645 of the SDHA protein (p.Ile645Thr). This variant is present in population databases (no rsID available, gnomAD 0.01%). This variant has not been reported in the literature in individuals affected with SDHA-related conditions. ClinVar contains an entry for this variant (Variation ID: 565609). Invitae Evidence Modeling of protein sequence and biophysical properties (such as structural, functional, and spatial information, amino acid conservation, physicochemical variation, residue mobility, and thermodynamic stability) indicates that this missense variant is not expected to disrupt SDHA protein function with a negative predictive value of 95%. In summary, the available evidence is currently insufficient to determine the role of this variant in disease. Therefore, it has been classified as a Variant of Uncertain Significance.

Ambry Genetics
Classification: Uncertain significance for Hereditary cancer-predisposing syndrome. Last evaluated: 2025-05-16. Review status: criteria provided, single submitter. Criteria: Ambry Variant Classification Scheme 2023. Collection method: clinical testing. Allele origin: germline.
Comment: The p.I645T variant (also known as c.1934T>C), located in coding exon 15 of the SDHA gene, results from a T to C substitution at nucleotide position 1934. The isoleucine at codon 645 is replaced by threonine, an amino acid with similar properties. This amino acid position is highly conserved in available vertebrate species. In addition, this alteration is predicted to be deleterious by in silico analysis. Since supporting evidence is limited at this time, the clinical significance of this alteration remains unclear.

Baylor Genetics
Classification: Uncertain significance for Dilated cardiomyopathy 1GG. Last evaluated: 2023-09-29. Review status: criteria provided, single submitter. Criteria: ACMG Guidelines, 2015. Collection method: clinical testing. Allele origin: unknown.

Quest Diagnostics Nichols Institute San Juan Capistrano
Classification: Uncertain significance. Last evaluated: 2023-06-07. Review status: criteria provided, single submitter. Criteria: Quest Diagnostics criteria. Collection method: clinical testing. Allele origin: unknown.
Comment: This variant has not been reported in the published literature. The frequency of this variant in the general population, 0.000032 (1/31410 chromosomes (Genome Aggregation Database)), is uninformative in the assessment of its pathogenicity. Analysis of this variant using bioinformatics tools for the prediction of the effect of amino acid changes on protein structure and function yielded predictions that this variant is damaging. Based on the available information, we are unable to determine the clinical significance of this variant.